The following is an entry in ClinVar:

ClinVar aggregate classification (germline): Uncertain significance (1 of 4 stars; one submission).

Conditions:
BAP1-related tumor predisposition syndrome (TPDS1). Also called: COMMON Syndrome; Tumor susceptibility linked to germline BAP1 mutations; BAP1 tumor predisposition syndrome; TUMOR PREDISPOSITION SYNDROME 1. Identifiers: Orphanet 289539, MedGen C3280492, MONDO:0013692, OMIM 614327.

Submission:

Labcorp Genetics (formerly Invitae), Labcorp
Classification: Uncertain significance for BAP1-related tumor predisposition syndrome. Last evaluated: 2017-09-02. Review status: criteria provided, single submitter. Criteria: Invitae Variant Classification Sherloc (09022015). Collection method: clinical testing. Allele origin: germline.
Comment: This sequence change replaces glycine with glutamic acid at codon 185 of the BAP1 protein (p.Gly185Glu). The glycine residue is highly conserved and there is a moderate physicochemical difference between glycine and glutamic acid. This variant is not present in population databases (ExAC no frequency). In summary, the available evidence is currently insufficient to determine the role of this variant in disease. Therefore, it has been classified as a Variant of Uncertain Significance. Algorithms developed to predict the effect of missense changes on protein structure and function (SIFT, PolyPhen-2, Align-GVGD) all suggest that this variant is likely to be disruptive, but these predictions have not been confirmed by published functional studies and their clinical significance is uncertain. This variant has not been reported in the literature in individuals with BAP1-related disease.

NM_004656.4(BAP1):c.554G>A (p.Gly185Glu)

Gene: BAP1 (BRCA1 associated deubiquitinase 1; minus strand). Cytogenetic location: 3p21.1.
Variant type: single nucleotide variant.
Coding change: c.554G>A on transcript NM_004656.4 (MANE Select); coding-DNA position 554, G replaced by A.
Protein change: p.Gly185Glu; replaces glycine 185 with glutamic acid.
Molecular consequence: missense variant.
Genome position (GRCh38, 1-based): chr3:52,407,200, C>T on the plus strand (G>A on the coding strand, the complement: BAP1 is on the minus strand). VCF-style: chr3-52407200-C-T. GRCh37 (hg19) VCF-style: chr3-52441216-C-T.
Other names: short protein forms G185E.
Identifiers: ClinVar variation 539925 (VCV000539925.6), dbSNP rs1553645794, ClinGen allele CA353109592.